The following is an entry in ClinVar:

ClinVar aggregate classification (germline): Uncertain significance (1 of 4 stars; one submission).

Submission:

CeGaT Center for Human Genetics Tuebingen
Classification: Uncertain significance. Last evaluated: 2026-04-01. Review status: criteria provided, single submitter. Criteria: CeGaT Center For Human Genetics Tuebingen Variant Classification Criteria Version 2. Collection method: clinical testing. Allele origin: germline. Affected: yes. Observed: 1 variant allele.
Comment: PRPF6: PM2

NM_012469.4(PRPF6):c.1120A>G (p.Arg374Gly)

Gene: PRPF6 (pre-mRNA processing factor 6; plus strand). Cytogenetic location: 20q13.33.
Variant type: single nucleotide variant.
Coding change: c.1120A>G on transcript NM_012469.4 (MANE Select); coding-DNA position 1120, A replaced by G.
Protein change: p.Arg374Gly; replaces arginine 374 with glycine.
Molecular consequence: missense variant.
Genome position (GRCh38, 1-based): chr20:64,001,173, A>G. VCF-style: chr20-64001173-A-G. GRCh37 (hg19) VCF-style: chr20-62632526-A-G.
Other names: short protein forms R374G.
Identifiers: ClinVar variation 4873569 (VCV004873569.2).